The following is an entry in ClinVar:

NM_003482.4(KMT2D):c.5341C>G (p.Leu1781Val)

Gene: KMT2D (lysine methyltransferase 2D; minus strand). Cytogenetic location: 12q13.12.
Variant type: single nucleotide variant.
Coding change: c.5341C>G on transcript NM_003482.4 (MANE Select); coding-DNA position 5341, C replaced by G.
Protein change: p.Leu1781Val; replaces leucine 1781 with valine.
Molecular consequence: missense variant.
Genome position (GRCh38, 1-based): chr12:49,043,761, G>C on the plus strand (C>G on the coding strand, the complement: KMT2D is on the minus strand). VCF-style: chr12-49043761-G-C. GRCh37 (hg19) VCF-style: chr12-49437544-G-C.
Other names: short protein forms L1781V.
Identifiers: ClinVar variation 4801241 (VCV004801241.1).

ClinVar aggregate classification (germline): Uncertain significance (1 of 4 stars; one submission).

Conditions:
Kabuki syndrome. Also called: NIIKAWA-KUROKI SYNDROME; Kabuki make-up syndrome. Identifiers: Orphanet 2322, MedGen C0796004, MONDO:0016512.

Submission:

Labcorp Genetics (formerly Invitae), Labcorp
Classification: Uncertain significance for Kabuki syndrome. Last evaluated: 2025-02-16. Review status: criteria provided, single submitter. Criteria: Invitae Variant Classification Sherloc (09022015). Collection method: clinical testing. Allele origin: germline.
Comment: This sequence change replaces leucine, which is neutral and non-polar, with valine, which is neutral and non-polar, at codon 1781 of the KMT2D protein (p.Leu1781Val). This variant is not present in population databases (gnomAD no frequency). This variant has not been reported in the literature in individuals affected with KMT2D-related conditions. Invitae Evidence Modeling of protein sequence and biophysical properties (such as structural, functional, and spatial information, amino acid conservation, physicochemical variation, residue mobility, and thermodynamic stability) indicates that this missense variant is expected to disrupt KMT2D protein function with a positive predictive value of 95%. In summary, the available evidence is currently insufficient to determine the role of this variant in disease. Therefore, it has been classified as a Variant of Uncertain Significance.